The following is an entry in ClinVar:

ClinVar aggregate classification (germline): Pathogenic (1 of 4 stars; one submission).

Conditions:
Mitochondrial trifunctional protein deficiency. Identifiers: Orphanet 746, MedGen C1969443, MONDO:0012172.
Long chain 3-hydroxyacyl-CoA dehydrogenase deficiency. Also called: Deficiency of long-chain 3-hydroxyacyl-coenzyme A dehydrogenase; LCHAD Deficiency. Identifiers: Orphanet 5, MedGen C3711645, MONDO:0012173, OMIM 609016.

Submission:

Labcorp Genetics (formerly Invitae), Labcorp
Classification: Pathogenic for Mitochondrial trifunctional protein deficiency; Long chain 3-hydroxyacyl-CoA dehydrogenase deficiency. Last evaluated: 2023-01-17. Review status: criteria provided, single submitter. Criteria: Invitae Variant Classification Sherloc (09022015). Collection method: clinical testing. Allele origin: germline.
Comment: For these reasons, this variant has been classified as Pathogenic. This variant has not been reported in the literature in individuals affected with HADHA-related conditions. This variant is not present in population databases (gnomAD no frequency). This sequence change creates a premature translational stop signal (p.Lys411Glufs*9) in the HADHA gene. It is expected to result in an absent or disrupted protein product. Loss-of-function variants in HADHA are known to be pathogenic (PMID: 7738175, 21103935, 21549624, 22459206).

Literature cited by the submitters: PubMed 7738175; PubMed 21103935; PubMed 21549624; PubMed 22459206.

NM_000182.5(HADHA):c.1231_1235del (p.Lys411fs)

Genes: GAREM2 (GRB2 associated regulator of MAPK1 subtype 2; plus strand), HADHA (hydroxyacyl-CoA dehydrogenase trifunctional multienzyme complex subunit alpha; minus strand). Cytogenetic location: 2p23.3.
Variant type: Deletion.
Coding change: c.1231_1235del on transcript NM_000182.5 (MANE Select); coding-DNA positions 1231 to 1235, 5 bases deleted (AAAGT; older notation c.1231_1235delAAAGT).
Protein change: p.Lys411fs; shifts the reading frame from lysine 411.
Molecular consequence: frameshift variant.
Genome position (GRCh38, 1-based): chr2:26,201,306-26,201,310, ACTTT deleted on the plus strand (AAAGT on the coding strand, the reverse complement: HADHA is on the minus strand). VCF-style (leftmost placement, unchanged base first): chr2-26201305-CACTTT-C. GRCh37 (hg19) VCF-style: chr2-26424174-CACTTT-C.
Other names: short protein forms K411fs.
Identifiers: ClinVar variation 2934638 (VCV002934638.3), dbSNP rs2465534617, ClinGen allele CA2740092776.